The following is an entry in ClinVar:

NM_001845.6(COL4A1):c.2407C>A (p.Pro803Thr)

Gene: COL4A1 (collagen type IV alpha 1 chain; minus strand). Cytogenetic location: 13q34.
Variant type: single nucleotide variant.
Coding change: c.2407C>A on transcript NM_001845.6 (MANE Select); coding-DNA position 2407, C replaced by A.
Protein change: p.Pro803Thr; replaces proline 803 with threonine.
Molecular consequence: missense variant.
Genome position (GRCh38, 1-based): chr13:110,178,974, G>T on the plus strand (C>A on the coding strand, the complement: COL4A1 is on the minus strand). VCF-style: chr13-110178974-G-T. GRCh37 (hg19) VCF-style: chr13-110831321-G-T.
Other names: short protein forms P803T.
Identifiers: ClinVar variation 1959285 (VCV001959285.5), dbSNP rs779414093, ClinGen allele CA256259322.

ClinVar aggregate classification (germline): Uncertain significance (1 of 4 stars; one submission).

Submission:

Labcorp Genetics (formerly Invitae), Labcorp
Classification: Uncertain significance. Last evaluated: 2024-10-26. Review status: criteria provided, single submitter. Criteria: Invitae Variant Classification Sherloc (09022015). Collection method: clinical testing. Allele origin: germline.
Comment: This sequence change replaces proline, which is neutral and non-polar, with threonine, which is neutral and polar, at codon 803 of the COL4A1 protein (p.Pro803Thr). This variant is not present in population databases (gnomAD no frequency). This variant has not been reported in the literature in individuals affected with COL4A1-related conditions. ClinVar contains an entry for this variant (Variation ID: 1959285). Invitae Evidence Modeling of protein sequence and biophysical properties (such as structural, functional, and spatial information, amino acid conservation, physicochemical variation, residue mobility, and thermodynamic stability) indicates that this missense variant is not expected to disrupt COL4A1 protein function with a negative predictive value of 95%. In summary, the available evidence is currently insufficient to determine the role of this variant in disease. Therefore, it has been classified as a Variant of Uncertain Significance.